The following is an entry in ClinVar:

NM_001042492.3(NF1):c.5593T>C (p.Ser1865Pro)

Gene: NF1 (neurofibromin 1; plus strand). Cytogenetic location: 17q11.2.
Variant type: single nucleotide variant.
Coding change: c.5593T>C on transcript NM_001042492.3 (MANE Select); coding-DNA position 5593, T replaced by C.
Protein change: p.Ser1865Pro; replaces serine 1865 with proline.
Molecular consequence: missense variant.
Genome position (GRCh38, 1-based): chr17:31,327,823, T>C. VCF-style: chr17-31327823-T-C. GRCh37 (hg19) VCF-style: chr17-29654841-T-C.
Other names: c.5530T>C, p.Ser1844Pro (NM_000267.4); short protein forms S1844P, S1865P.
Identifiers: ClinVar variation 3879009 (VCV003879009.1).

ClinVar aggregate classification (germline): Uncertain significance (1 of 4 stars; one submission).

Conditions:
Cardiovascular phenotype. Identifiers: MedGen CN230736.
Hereditary cancer-predisposing syndrome. Also called: Tumor predisposition; Neoplastic Syndromes, Hereditary; Hereditary Cancer Syndrome; Hereditary neoplastic syndrome. Identifiers: Orphanet 140162, MedGen C0027672, MeSH D009386, MONDO:0015356.

Submission:

Ambry Genetics
Classification: Uncertain significance for Cardiovascular phenotype; Hereditary cancer-predisposing syndrome. Last evaluated: 2024-12-20. Review status: criteria provided, single submitter. Criteria: Ambry Variant Classification Scheme 2023. Collection method: clinical testing. Allele origin: germline.
Comment: The p.S1844P variant (also known as c.5530T>C), located in coding exon 37 of the NF1 gene, results from a T to C substitution at nucleotide position 5530. The serine at codon 1844 is replaced by proline, an amino acid with similar properties. This amino acid position is conserved. In addition, the in silico prediction for this alteration is inconclusive. Based on the available evidence, the clinical significance of this variant remains unclear.